The following is an entry in ClinVar:

NM_173354.5(SIK1):c.1445C>T (p.Ser482Phe)

Gene: SIK1 (salt inducible kinase 1; minus strand). Cytogenetic location: 21q22.3.
Variant type: single nucleotide variant.
Coding change: c.1445C>T on transcript NM_173354.5 (MANE Select); coding-DNA position 1445, C replaced by T.
Protein change: p.Ser482Phe; replaces serine 482 with phenylalanine.
Molecular consequence: missense variant.
Genome position (GRCh38, 1-based): chr21:43,419,038, G>A on the plus strand (C>T on the coding strand, the complement: SIK1 is on the minus strand). VCF-style: chr21-43419038-G-A. GRCh37 (hg19) VCF-style: chr21-44838918-G-A.
Other names: short protein forms S482F.
Identifiers: ClinVar variation 2001030 (VCV002001030.4), dbSNP rs2516965689, ClinGen allele CA410607992.

ClinVar aggregate classification (germline): Uncertain significance (1 of 4 stars; one submission).

Conditions:
Developmental and epileptic encephalopathy, 30 (DEE30). Also called: Epileptic encephalopathy, early infantile, 30. Identifiers: MedGen C4225360, MONDO:0014595, OMIM 616341.

Submission:

Labcorp Genetics (formerly Invitae), Labcorp
Classification: Uncertain significance for Developmental and epileptic encephalopathy, 30. Last evaluated: 2024-10-12. Review status: criteria provided, single submitter. Criteria: Invitae Variant Classification Sherloc (09022015). Collection method: clinical testing. Allele origin: germline.
Comment: This sequence change replaces serine, which is neutral and polar, with phenylalanine, which is neutral and non-polar, at codon 482 of the SIK1 protein (p.Ser482Phe). This variant is not present in population databases (gnomAD no frequency). This variant has not been reported in the literature in individuals affected with SIK1-related conditions. ClinVar contains an entry for this variant (Variation ID: 2001030). Invitae Evidence Modeling of protein sequence and biophysical properties (such as structural, functional, and spatial information, amino acid conservation, physicochemical variation, residue mobility, and thermodynamic stability) indicates that this missense variant is not expected to disrupt SIK1 protein function with a negative predictive value of 95%. In summary, the available evidence is currently insufficient to determine the role of this variant in disease. Therefore, it has been classified as a Variant of Uncertain Significance.